The following is an entry in ClinVar:

NC_000022.10:g.(?_30035073)_(30035207_?)del

Gene: NF2 (NF2, moesin-ezrin-radixin like (MERLIN) tumor suppressor; plus strand). Cytogenetic location: 22q12.2.
Variant type: Deletion.
Identifiers: ClinVar variation 1066694 (VCV001066694.11).

ClinVar aggregate classification (germline): Likely pathogenic (1 of 4 stars; one submission).

Conditions:
Neurofibromatosis, type 2 (SWNV). Also called: BILATERAL ACOUSTIC NEUROFIBROMATOSIS; NF2-Related Schwannomatosis; SCHWANNOMATOSIS, VESTIBULAR. Identifiers: Orphanet 637, MedGen C0027832, MONDO:0007039, OMIM 101000. Disease mechanism: loss of function.

Submission:

Labcorp Genetics (formerly Invitae), Labcorp
Classification: Likely pathogenic for Neurofibromatosis, type 2. Last evaluated: 2016-09-03. Review status: criteria provided, single submitter. Criteria: Invitae Variant Classification Sherloc (09022015). Collection method: clinical testing. Allele origin: germline.
Comment: A similar deletion of exon 3 has been reported in an individual wtih neurofibromatosis type 2 (PMID: 19968670). This variant is a gross deletion of the genomic region encompassing exon 3 of the NF2 gene. This leads to an in-frame deletion, preserving the integrity of the reading frame. Experimental studies have not been reported for this in-frame deletion, and it is currently unknown if the amino acids encoded by this exon are critical for protein function. In summary, this variant is a rare deletion of a single in-frame exon with uncertain impact on protein function that has been reported in an affected individual. This evidence strongly supports that the variant is pathogenic, but the available data is currently insufficient to prove that conclusively. Therefore, this variant has been classified as Likely Pathogenic.

Literature cited by the submitters: PubMed 19968670.